The following is an entry in ClinVar:

ClinVar aggregate classification (germline): Uncertain significance (1 of 4 stars; one submission).

Allele frequency attached by ClinVar (database versions not stated): gnomAD exomes below 0.00001.
gnomAD v4.1: 1 of 1,614,182 alleles (0.000062%); highest among the groups gnomAD compares: Non-Finnish European, 0.000085%; no homozygotes.

Submission:

Labcorp Genetics (formerly Invitae), Labcorp
Classification: Uncertain significance. Last evaluated: 2025-12-16. Review status: criteria provided, single submitter. Criteria: Invitae Variant Classification Sherloc (09022015). Collection method: clinical testing. Allele origin: germline.
Comment: This sequence change replaces leucine, which is neutral and non-polar, with proline, which is neutral and non-polar, at codon 1029 of the POLE protein (p.Leu1029Pro). This variant is present in population databases (no rsID available, gnomAD 0.0009%). This variant has not been reported in the literature in individuals affected with POLE-related conditions. ClinVar contains an entry for this variant (Variation ID: 575050). Invitae Evidence Modeling of protein sequence and biophysical properties (such as structural, functional, and spatial information, amino acid conservation, physicochemical variation, residue mobility, and thermodynamic stability) indicates that this missense variant is expected to disrupt POLE protein function with a positive predictive value of 80%. In summary, the available evidence is currently insufficient to determine the role of this variant in disease. Therefore, it has been classified as a Variant of Uncertain Significance.

NM_006231.4(POLE):c.3086T>C (p.Leu1029Pro)

Gene: POLE (DNA polymerase epsilon, catalytic subunit; minus strand). Cytogenetic location: 12q24.33.
Variant type: single nucleotide variant.
Coding change: c.3086T>C on transcript NM_006231.4 (MANE Select); coding-DNA position 3086, T replaced by C.
Protein change: p.Leu1029Pro; replaces leucine 1029 with proline.
Molecular consequence: missense variant.
Genome position (GRCh38, 1-based): chr12:132,659,484, A>G on the plus strand (T>C on the coding strand, the complement: POLE is on the minus strand). VCF-style: chr12-132659484-A-G. GRCh37 (hg19) VCF-style: chr12-133236070-A-G.
Other names: short protein forms L1029P.
Identifiers: ClinVar variation 575050 (VCV000575050.6), dbSNP rs1228020822, ClinGen allele CA387391794.